The following is an entry in ClinVar:

NM_033123.4(PLCZ1):c.949+1G>A

Genes: PIK3C2G (phosphatidylinositol-4-phosphate 3-kinase catalytic subunit type 2 gamma; plus strand), PLCZ1 (phospholipase C zeta 1; minus strand). Cytogenetic location: 12p12.3.
Variant type: single nucleotide variant.
Coding change: c.949+1G>A on transcript NM_033123.4 (MANE Select); the canonical splice donor site of the intron after coding-DNA position 949, G replaced by A.
Molecular consequence: splice donor variant.
Genome position (GRCh38, 1-based): chr12:18,701,691, C>T on the plus strand (G>A on the coding strand, the complement: PLCZ1 is on the minus strand). VCF-style: chr12-18701691-C-T. GRCh37 (hg19) VCF-style: chr12-18854625-C-T.
Other names: c.637+1G>A (NM_001330774.2); c.370+1G>A (NM_001330769.1).
Identifiers: ClinVar variation 4531235 (VCV004531235.1).

ClinVar aggregate classification (germline): Likely pathogenic. Review status: criteria provided, multiple submitters, no conflicts (2 of 4 stars). 2 submissions from 2 submitters: Likely pathogenic (2). Last evaluated 2025-09-17.

Conditions:
Spermatogenic failure 17 (SPGF17). Also called: MALE INFERTILITY DUE TO OOCYTE ACTIVATION FAILURE. Identifiers: MedGen C4310666, MONDO:0014970, OMIM 617214.

gnomAD v4.1: 3 of 1,609,912 alleles (0.00019%); highest among the groups gnomAD compares: East Asian, 0.0068%; no homozygotes.

Submissions (2):

First Genomix Gene Laboratory, Genetic Diagnostics Department
Classification: Likely pathogenic for Spermatogenic failure 17. Last evaluated: 2025-09-17. Review status: criteria provided, single submitter. Criteria: ACMG Guidelines, 2015. Collection method: clinical testing. Allele origin: germline. Inheritance: Autosomal recessive inheritance. Affected: no. Observed: 1 variant allele.

Juno Genomics, Hangzhou Juno Genomics, Inc
Classification: Likely pathogenic for Spermatogenic failure 17. Review status: criteria provided, single submitter. Criteria: ACMG Guidelines, 2015. Collection method: clinical testing. Allele origin: germline. Affected: yes.
Comment: Absent from controls (or at extremely low frequency if recessive) in Genome Aggregation Database, Exome Sequencing Project, 1000 Genomes Project, or Exome Aggregation Consortium.;Null variant in a gene where loss of function (LOF) is a known mechanism of disease.